The following is an entry in ClinVar:

ClinVar aggregate classification (germline): Uncertain significance (1 of 4 stars; one submission).

Conditions:
Creatine transporter deficiency (CCDS1). Also called: CEREBRAL CREATINE DEFICIENCY SYNDROME 1; Mental retardation , X-linked with seizures, short stature and midface hypoplasia; Mental retardation , X-linked, with creatine transport deficiency; X-linked creatine transporter deficiency; X-linked creatine deficiency syndrome; SLC6A8-Related Creatine Transporter Deficiency. Identifiers: Orphanet 52503, MedGen C1845862, MONDO:0010305, OMIM 300352.

gnomAD v4.1: 2 of 1,200,173 alleles (0.00017%); highest among the groups gnomAD compares: Non-Finnish European, 0.00023%; no homozygotes.

Submission:

Labcorp Genetics (formerly Invitae), Labcorp
Classification: Uncertain significance for Creatine transporter deficiency. Last evaluated: 2023-03-04. Review status: criteria provided, single submitter. Criteria: Invitae Variant Classification Sherloc (09022015). Collection method: clinical testing. Allele origin: germline.
Comment: In summary, the available evidence is currently insufficient to determine the role of this variant in disease. Therefore, it has been classified as a Variant of Uncertain Significance. Variants that disrupt the consensus splice site are a relatively common cause of aberrant splicing (PMID: 17576681, 9536098). Algorithms developed to predict the effect of sequence changes on RNA splicing suggest that this variant is not likely to affect RNA splicing. ClinVar contains an entry for this variant (Variation ID: 1516611). This variant has not been reported in the literature in individuals affected with SLC6A8-related conditions. This variant is not present in population databases (gnomAD no frequency). This sequence change falls in intron 4 of the SLC6A8 gene. It does not directly change the encoded amino acid sequence of the SLC6A8 protein. It affects a nucleotide within the consensus splice site.

Literature cited by the submitters: PubMed 17576681; PubMed 9536098.

NM_005629.4(SLC6A8):c.777+6A>G

Gene: SLC6A8 (solute carrier family 6 member 8; plus strand). Cytogenetic location: Xq28.
Variant type: single nucleotide variant.
Coding change: c.777+6A>G on transcript NM_005629.4 (MANE Select); 6 bases into the intron after coding-DNA position 777, A replaced by G.
Molecular consequence: intron variant.
Genome position (GRCh38, 1-based): chrX:153,692,113, A>G. VCF-style: chrX-153692113-A-G. GRCh37 (hg19) VCF-style: chrX-152957568-A-G.
Other names: c.777+6A>G (NM_001142805.2); c.432+6A>G (NM_001142806.1).
Identifiers: ClinVar variation 1516611 (VCV001516611.6), dbSNP rs2148361744, ClinGen allele CA2573159475.
Genomic context (GRCh38, chrX:153,692,113, plus strand): 5'-CTGCTGGGTGCTGGTCTACTTCTGTGTCTGGAAGGGGGTCAAATCCACGGGAAAGGTACC[A>G]CTAGAGGCATGCAGCGGGGAGGGTGGCTCAGCCCTGGGAGCCGGATGTCTGTGCCAGGCA-3'